The following is an entry in ClinVar:

ClinVar aggregate classification (germline): Uncertain significance. Review status: criteria provided, multiple submitters, no conflicts (2 of 4 stars). 3 submissions from 3 submitters: Uncertain significance (3). Last evaluated 2025-12-18.

Conditions:
Hereditary cancer-predisposing syndrome. Also called: Tumor predisposition; Hereditary Cancer Syndrome; Neoplastic Syndromes, Hereditary; Hereditary neoplastic syndrome. Identifiers: Orphanet 140162, MedGen C0027672, MeSH D009386, MONDO:0015356.
Ataxia-telangiectasia syndrome (AT). Also called: Ataxia telangiectasia (A-T); LOUIS-BAR SYNDROME; ATAXIA-TELANGIECTASIA, FRESNO VARIANT; Ataxia-telangiectasia; Ataxia-telangiectasia, complementation group E; Ataxia-telangiectasia, complementation group D. Identifiers: Orphanet 100, MedGen C0004135, MONDO:0008840, OMIM 208900.

Allele frequency attached by ClinVar (database versions not stated): TOPMed 0.00001.

Submissions (3):

Ambry Genetics
Classification: Uncertain significance for Hereditary cancer-predisposing syndrome. Last evaluated: 2025-12-18. Review status: criteria provided, single submitter. Criteria: Ambry Variant Classification Scheme 2023. Collection method: clinical testing. Allele origin: germline.
Comment: The p.L612V variant (also known as c.1834C>G), located in coding exon 11 of the ATM gene, results from a C to G substitution at nucleotide position 1834. The leucine at codon 612 is replaced by valine, an amino acid with highly similar properties. This amino acid position is highly conserved in available vertebrate species. In addition, the in silico prediction for this alteration is inconclusive. Since supporting evidence is limited at this time, the clinical significance of this alteration remains unclear.

Labcorp Genetics (formerly Invitae), Labcorp
Classification: Uncertain significance for Ataxia-telangiectasia syndrome. Last evaluated: 2025-03-05. Review status: criteria provided, single submitter. Criteria: Invitae Variant Classification Sherloc (09022015). Collection method: clinical testing. Allele origin: germline.
Comment: This sequence change replaces leucine, which is neutral and non-polar, with valine, which is neutral and non-polar, at codon 612 of the ATM protein (p.Leu612Val). This variant is not present in population databases (gnomAD no frequency). This variant has not been reported in the literature in individuals affected with ATM-related conditions. ClinVar contains an entry for this variant (Variation ID: 479063). Invitae Evidence Modeling of protein sequence and biophysical properties (such as structural, functional, and spatial information, amino acid conservation, physicochemical variation, residue mobility, and thermodynamic stability) indicates that this missense variant is not expected to disrupt ATM protein function with a negative predictive value of 95%. In summary, the available evidence is currently insufficient to determine the role of this variant in disease. Therefore, it has been classified as a Variant of Uncertain Significance.

GeneDx
Classification: Uncertain significance. Last evaluated: 2024-02-12. Review status: criteria provided, single submitter. Criteria: GeneDx Variant Classification Process June 2021. Collection method: clinical testing. Allele origin: germline. Affected: yes.
Comment: Not observed at significant frequency in large population cohorts (gnomAD); In silico analysis supports that this missense variant does not alter protein structure/function; Has not been previously published as pathogenic or benign to our knowledge; This variant is associated with the following publications: (PMID: 35205332)

NM_000051.4(ATM):c.1834C>G (p.Leu612Val)

Gene: ATM (ATM serine/threonine kinase; plus strand). Cytogenetic location: 11q22.3.
Variant type: single nucleotide variant.
Coding change: c.1834C>G on transcript NM_000051.4 (MANE Select); coding-DNA position 1834, C replaced by G.
Protein change: p.Leu612Val; replaces leucine 612 with valine.
Molecular consequence: missense variant.
Genome position (GRCh38, 1-based): chr11:108,252,848, C>G. VCF-style: chr11-108252848-C-G. GRCh37 (hg19) VCF-style: chr11-108123575-C-G.
Other names: c.1834C>G, p.Leu612Val (NM_001351834.2); short protein forms L612V.
Identifiers: ClinVar variation 479063 (VCV000479063.18), dbSNP rs747242300, ClinGen allele CA228392465.